The following is an entry in ClinVar:

NM_001011548.1(MAGEA4):c.884A>G (p.Asn295Ser)

Gene: MAGEA4 (MAGE family member A4; plus strand). Cytogenetic location: Xq28.
Variant type: single nucleotide variant.
Coding change: c.884A>G on transcript NM_001011548.1 (MANE Select); coding-DNA position 884, A replaced by G.
Protein change: p.Asn295Ser; replaces asparagine 295 with serine.
Molecular consequence: missense variant.
Genome position (GRCh38, 1-based): chrX:151,924,548, A>G. VCF-style: chrX-151924548-A-G. GRCh37 (hg19) VCF-style: chrX-151093020-A-G.
Other names: c.884A>G, p.Asn295Ser (NM_001011549.1, NM_001011550.1, NM_001386196.1 and 8 more transcripts); short protein forms N295S.
Identifiers: ClinVar variation 2661659 (VCV002661659.24), dbSNP rs768419102, ClinGen allele CA10542288.

ClinVar aggregate classification (germline): Likely benign (1 of 4 stars; one submission).

Allele frequency attached by ClinVar (database versions not stated): ExAC 0.00006; gnomAD exomes 0.00009; TOPMed 0.00015; gnomAD 0.00016; 1000 Genomes Project 30x 0.00021; 1000 Genomes Project 0.00026.

Submission:

CeGaT Center for Human Genetics Tuebingen
Classification: Likely benign. Last evaluated: 2022-07-01. Review status: criteria provided, single submitter. Criteria: CeGaT Center For Human Genetics Tuebingen Variant Classification Criteria Version 2. Collection method: clinical testing. Allele origin: germline. Affected: yes. Observed: 1 variant allele.
Comment: MAGEA4: BP4